The following is an entry in ClinVar:

NM_145239.3(PRRT2):c.519G>A (p.Glu173=)

Genes: MVP-DT (MVP divergent transcript; minus strand), PRRT2 (proline rich transmembrane protein 2; plus strand). Cytogenetic location: 16p11.2.
Variant type: single nucleotide variant.
Coding change: c.519G>A on transcript NM_145239.3 (MANE Select); coding-DNA position 519, G replaced by A.
Protein change: p.Glu173=; no amino-acid change (glutamic acid 173 retained).
Molecular consequence: synonymous variant.
Genome position (GRCh38, 1-based): chr16:29,813,573, G>A. VCF-style: chr16-29813573-G-A. GRCh37 (hg19) VCF-style: chr16-29824894-G-A.
Other names: c.519G>A, p.Glu173= (NM_001256442.2, NM_001256443.2).
Identifiers: ClinVar variation 384068 (VCV000384068.12), dbSNP rs372588022, ClinGen allele CA16607393.

ClinVar aggregate classification (germline): Likely benign. Review status: criteria provided, multiple submitters, no conflicts (2 of 4 stars). 3 submissions from 3 submitters: Likely benign (3). Last evaluated 2025-07-14.

Conditions:
Episodic kinesigenic dyskinesia (EKD). Also called: Paroxysmal kinesigenic dyskinesia. Identifiers: Orphanet 98809, MedGen C1868682, MONDO:0044202.
Inborn genetic diseases. Identifiers: MedGen C0950123, MeSH D030342.

Allele frequency attached by ClinVar (database versions not stated): TOPMed 0.00001; ESP Exome Variant Server 0.00008.

Submissions (3):

Labcorp Genetics (formerly Invitae), Labcorp
Classification: Likely benign for Episodic kinesigenic dyskinesia. Last evaluated: 2025-07-14. Review status: criteria provided, single submitter. Criteria: Invitae Variant Classification Sherloc (09022015). Collection method: clinical testing. Allele origin: germline.

Ambry Genetics
Classification: Likely benign for Inborn genetic diseases. Last evaluated: 2017-07-19. Review status: criteria provided, single submitter. Criteria: Ambry Variant Classification Scheme 2023. Collection method: clinical testing. Allele origin: germline.

GeneDx
Classification: Likely benign. Last evaluated: 2016-03-07. Review status: criteria provided, single submitter. Criteria: GeneDx Variant Classification (06012015). Collection method: clinical testing. Allele origin: germline. Affected: yes.
Comment: This variant is considered likely benign or benign based on one or more of the following criteria: it is a conservative change, it occurs at a poorly conserved position in the protein, it is predicted to be benign by multiple in silico algorithms, and/or has population frequency not consistent with disease.